The following is an entry in ClinVar:

NM_000135.4(FANCA):c.3791_3793del (p.Ser1264del)

Genes: FANCA (FA complementation group A; minus strand), ZNF276 (zinc finger protein 276; plus strand). Cytogenetic location: 16q24.3.
Variant type: Deletion.
Coding change: c.3791_3793del on transcript NM_000135.4 (MANE Select); coding-DNA positions 3791 to 3793, 3 bases deleted (CCT; older notation c.3791_3793delCCT).
Protein change: p.Ser1264del; deletes serine 1264.
Molecular consequence: inframe deletion. On other transcripts: 3 prime UTR variant (2), non-coding transcript variant (4).
Genome position (GRCh38, 1-based): chr16:89,740,839-89,740,841, AGG deleted on the plus strand (CCT on the coding strand, the reverse complement: FANCA is on the minus strand); deleting any 3 consecutive bases within chr16:89,740,839-89,740,843 gives the same sequence; the c. name uses the placement nearest the transcript's 3' end. VCF-style (leftmost placement, unchanged base first): chr16-89740838-AAGG-A. GRCh37 (hg19) VCF-style: chr16-89807246-AAGG-A.
Other names: c.3791_3793del, p.Ser1264del (NM_001286167.3); c.*2595_*2597del (NM_001113525.2, NM_152287.4); c.3791_3793delCCT (NM_000135.2, NM_000135.3); short protein forms S1264del.
Identifiers: ClinVar variation 1066827 (VCV001066827.33), dbSNP rs1183256870, ClinGen allele CA725757415.

ClinVar aggregate classification (germline): Pathogenic/Likely pathogenic. Review status: criteria provided, multiple submitters, no conflicts (2 of 4 stars). 6 submissions from 6 submitters: Pathogenic (1); Likely pathogenic (4). 1 of the submissions does not count toward it. Last evaluated 2025-04-12.

Conditions:
Fanconi anemia (FA). Also called: Fanconi's anemia. Identifiers: Orphanet 84, MedGen C0015625, MeSH D005199, MONDO:0019391.
FANCA-related disorder. Also called: FANCA-related condition.
Fanconi anemia complementation group A (FANCA). Also called: Fanconi anemia, group A; FANCA-Related Fanconi Anemia. Identifiers: Orphanet 84, MedGen C3469521, MONDO:0009215, OMIM 227650.

Submissions (6):

Natera, Inc.
Classification: Likely pathogenic for Fanconi anemia. Last evaluated: 2025-04-12. Review status: criteria provided, single submitter. Criteria: Natera Variant Classification Schema (03/2026). Collection method: clinical testing. Allele origin: germline.
Comment: The c.3791_3793delCCT variant in FANCA is an in-frame deletion predicted to remove serine at amino acid 1264 while preserving the reading frame. This variant is rare in the general population with a frequency below the threshold expected for the associated phenotype(s). This variant has been observed in one or more individuals affected with the associated recessive disease, as either homozygous or compound heterozygous with a second variant (PMID: 29098742, 22178060, 27041517). This variant results in a change to the protein length while preserving reading frame, which may disrupt normal protein structure or function. Computational prediction algorithms indicate this variant is likely to affect gene or protein function. Given the available evidence, this variant is classified as Likely Pathogenic.

Labcorp Genetics (formerly Invitae), Labcorp
Classification: Likely pathogenic for Fanconi anemia. Last evaluated: 2024-05-02. Review status: criteria provided, single submitter. Criteria: Invitae Variant Classification Sherloc (09022015). Collection method: clinical testing. Allele origin: germline.
Comment: This variant, c.3791_3793del, results in the deletion of 1 amino acid(s) of the FANCA protein (p.Ser1264del), but otherwise preserves the integrity of the reading frame. This variant is not present in population databases (gnomAD no frequency). This variant has been observed in individual(s) with Fanconi anemia (PMID: 22178060, 27041517, 29098742). In at least one individual the data is consistent with being in trans (on the opposite chromosome) from a pathogenic variant. ClinVar contains an entry for this variant (Variation ID: 1066827). Experimental studies and prediction algorithms are not available or were not evaluated, and the functional significance of this variant is currently unknown. In summary, the currently available evidence indicates that the variant is pathogenic, but additional data are needed to prove that conclusively. Therefore, this variant has been classified as Likely Pathogenic.

Fulgent Genetics
Classification: Likely pathogenic for Fanconi anemia complementation group A. Last evaluated: 2024-03-16. Review status: criteria provided, single submitter. Criteria: ACMG Guidelines, 2015. Collection method: clinical testing. Allele origin: germline.

CeGaT Center for Human Genetics Tuebingen
Classification: Likely pathogenic. Last evaluated: 2023-12-01. Review status: criteria provided, single submitter. Criteria: CeGaT Center For Human Genetics Tuebingen Variant Classification Criteria Version 2. Collection method: clinical testing. Allele origin: germline. Affected: yes. Observed: 1 variant allele.
Comment: FANCA: PM2, PM3, PM4

Baylor Genetics
Classification: Pathogenic for Fanconi anemia complementation group A. Last evaluated: 2023-02-04. Review status: criteria provided, single submitter. Criteria: ACMG Guidelines, 2015. Collection method: clinical testing. Allele origin: unknown.

PreventionGenetics, part of Exact Sciences
Classification: Likely pathogenic for FANCA-related condition. Last evaluated: 2024-07-23. Review status: no assertion criteria provided. Collection method: clinical testing. Allele origin: germline. Not counted in ClinVar's aggregate classification.
Comment: The FANCA c.3791_3793delCCT variant is predicted to result in an in-frame deletion (p.Ser1264del). This variant has been reported in the compound heterozygous or homozygous states in individuals with Fanconi anemia A (Scheckenbach et al. 2012. PubMed ID: 22178060; Esmail Nia et al. 2016. PubMed ID: 27041517; Kimble et al. 2017. PubMed ID: 29098742). This variant has not been reported in a large population database, indicating this variant is rare. This variant is interpreted as likely pathogenic.

Literature cited by the submitters: PubMed 29098742 (cited by Natera, Inc. and Labcorp Genetics (formerly Invitae), Labcorp); PubMed 22178060 (cited by Natera, Inc. and Labcorp Genetics (formerly Invitae), Labcorp); PubMed 27041517 (cited by Natera, Inc. and Labcorp Genetics (formerly Invitae), Labcorp).